The following is an entry in ClinVar:

NM_000187.4(HGD):c.1049A>G (p.Tyr350Cys)

Gene: HGD (homogentisate 1,2-dioxygenase; minus strand). Cytogenetic location: 3q13.33.
Variant type: single nucleotide variant.
Coding change: c.1049A>G on transcript NM_000187.4 (MANE Select); coding-DNA position 1049, A replaced by G.
Protein change: p.Tyr350Cys; replaces tyrosine 350 with cysteine.
Molecular consequence: missense variant.
Genome position (GRCh38, 1-based): chr3:120,633,286, T>C on the plus strand (A>G on the coding strand, the complement: HGD is on the minus strand). VCF-style: chr3-120633286-T-C. GRCh37 (hg19) VCF-style: chr3-120352133-T-C.
Other names: short protein forms Y350C.
Identifiers: ClinVar variation 2627681 (VCV002627681.1), dbSNP rs1377735119, ClinGen allele CA354072944.

ClinVar aggregate classification (germline): Pathogenic (0 of 4 stars; one submission).

Conditions:
Alkaptonuria (AKU). Also called: Alkaptonuric ochronosis; Homogentisic acidura; Alcaptonuria; HOMOGENTISIC ACID OXIDASE DEFICIENCY. Identifiers: Orphanet 56, MedGen C0002066, MONDO:0008753, OMIM 203500.

Submission:

Department Of Human Genetics, Institute Of Clinical And Translational Research, Biomedical Research Center, Slovak Academy Of Sciences
Classification: Pathogenic for Alkaptonuria. Review status: no assertion criteria provided. Collection method: research. Allele origin: germline. Inheritance: Autosomal recessive inheritance. Affected: yes. Observed: 1 variant allele.
Comment: The variant was originally described in AKU patient in PMID:30737480. It has been submitted to the HGD gene mutation database (DB-ID: AKU_00201).

Literature cited by the submitters: PubMed 30737480.